The following is an entry in ClinVar:

ClinVar aggregate classification (germline): Benign. Review status: criteria provided, multiple submitters, no conflicts (2 of 4 stars). 11 submissions from 11 submitters: Benign (9). 2 of the submissions do not count toward it. Last evaluated 2026-02-02.

Conditions:
Primary ciliary dyskinesia. Also called: Ciliary dyskinesia. Identifiers: Orphanet 244, MedGen C0008780, MONDO:0016575, HP:0012265.
Primary ciliary dyskinesia 3. Identifiers: Orphanet 244, MedGen C1837618, MONDO:0012085, OMIM 608644.

Allele frequency attached by ClinVar (database versions not stated): gnomAD exomes 0.00616; ExAC 0.00739; gnomAD 0.02310 and 0.02485; 1000 Genomes Project 0.02516; TOPMed 0.02619; ESP Exome Variant Server 0.02637; 1000 Genomes Project 30x 0.02701.
gnomAD v4.1: 7,706 of 1,613,966 alleles (0.48%); highest among the groups gnomAD compares: African/African-American, 8.2%; 253 homozygotes.

Submissions (11):

Labcorp Genetics (formerly Invitae), Labcorp
Classification: Benign for Primary ciliary dyskinesia. Last evaluated: 2026-02-02. Review status: criteria provided, single submitter. Criteria: Invitae Variant Classification Sherloc (09022015). Collection method: clinical testing. Allele origin: germline.

ARUP Laboratories, Molecular Genetics and Genomics, ARUP Laboratories
Classification: Benign for Primary ciliary dyskinesia 3. Last evaluated: 2023-09-11. Review status: criteria provided, single submitter. Criteria: ARUP Molecular Germline Variant Investigation Process 2024. Collection method: clinical testing. Allele origin: germline.

Mayo Clinic Laboratories, Mayo Clinic
Classification: Benign. Last evaluated: 2023-01-15. Review status: criteria provided, single submitter. Criteria: ACMG Guidelines, 2015. Collection method: clinical testing. Allele origin: germline. Observed: 4 variant alleles.

GeneDx
Classification: Benign. Last evaluated: 2021-02-02. Review status: criteria provided, single submitter. Criteria: GeneDx Variant Classification Process June 2021. Collection method: clinical testing. Allele origin: germline. Affected: yes.

Illumina Laboratory Services, Illumina
Classification: Benign for Primary ciliary dyskinesia 3. Last evaluated: 2018-01-13. Review status: criteria provided, single submitter. Criteria: ICSL Variant Classification Criteria 13 December 2019. Collection method: clinical testing. Allele origin: germline.
Comment: This variant was observed in the ICSL laboratory as part of a predisposition screen in an ostensibly healthy population. It had not been previously curated by ICSL or reported in the Human Gene Mutation Database (HGMD: prior to June 1st, 2018), and was therefore a candidate for classification through an automated scoring system. Utilizing variant allele frequency, disease prevalence and penetrance estimates, and inheritance mode, an automated score was calculated to assess if this variant is too frequent to cause the disease. Based on the score and internal cut-off values, a variant classified as benign is not then subjected to further curation. The score for this variant resulted in a classification of benign for this disease.

Ambry Genetics
Classification: Benign for Primary ciliary dyskinesia. Last evaluated: 2014-12-15. Review status: criteria provided, single submitter. Criteria: Ambry Variant Classification Scheme 2023. Collection method: clinical testing. Allele origin: germline.

Laboratory for Molecular Medicine, Mass General Brigham Personalized Medicine
Classification: Benign. Last evaluated: 2013-02-21. Review status: criteria provided, single submitter. Criteria: LMM Criteria. Collection method: clinical testing. Allele origin: germline. Observed: 2 variant alleles.
Comment: Thr3174Thr in exon 56 of DNAH5: This variant is not expected to have clinical si gnificance because it does not alter an amino acid residue and is not located wi thin the splice consensus sequence. It has been identified in 7.7% (341/4406) of African American chromosomes from a broad population by the NHLBI Exome Sequenc ing Project (dbSNP rs35233147).

Breakthrough Genomics
Classification: Benign. Review status: criteria provided, single submitter. Criteria: ACMG Guidelines, 2015. Collection method: not provided. Allele origin: germline. Inheritance: Autosomal recessive inheritance. Affected: yes.

PreventionGenetics, part of Exact Sciences
Classification: Benign. Review status: criteria provided, single submitter. Criteria: ACMG Guidelines, 2015. Collection method: clinical testing. Allele origin: germline.

Natera, Inc.
Classification: Benign for Primary ciliary dyskinesia. Last evaluated: 2020-09-16. Review status: no assertion criteria provided. Collection method: clinical testing. Allele origin: germline. Not counted in ClinVar's aggregate classification.

Counsyl
Classification: Benign for Primary ciliary dyskinesia 3. Last evaluated: 2016-12-16. Review status: no assertion criteria provided. Collection method: clinical testing. Allele origin: unknown. Not counted in ClinVar's aggregate classification.

NM_001369.3(DNAH5):c.9522G>A (p.Thr3174=)

Gene: DNAH5 (dynein axonemal heavy chain 5; minus strand). Cytogenetic location: 5p15.2.
Variant type: single nucleotide variant.
Coding change: c.9522G>A on transcript NM_001369.3 (MANE Select); coding-DNA position 9522, G replaced by A.
Protein change: p.Thr3174=; no amino-acid change (threonine 3174 retained).
Molecular consequence: synonymous variant.
Genome position (GRCh38, 1-based): chr5:13,770,832, C>T on the plus strand (G>A on the coding strand, the complement: DNAH5 is on the minus strand). VCF-style: chr5-13770832-C-T. GRCh37 (hg19) VCF-style: chr5-13770941-C-T.
Other names: p.Thr3174=.
Identifiers: ClinVar variation 226607 (VCV000226607.39), dbSNP rs35233147, ClinGen allele CA3202526.